The following is an entry in ClinVar:

ClinVar aggregate classification (germline): Benign. Review status: criteria provided, multiple submitters, no conflicts (2 of 4 stars). 3 submissions from 3 submitters: Benign (3). Last evaluated 2026-01-25.

Conditions:
Fleck corneal dystrophy (CFD). Also called: CORNEAL DYSTROPHY, FRANCOIS-NEETENS SPECKLED OR FLECKED. Identifiers: Orphanet 98970, MedGen C1562113, MONDO:0007376, OMIM 121850.

Allele frequency attached by ClinVar (database versions not stated): ExAC 0.00974; gnomAD 0.02918 and 0.03133; 1000 Genomes Project 0.03035; TOPMed 0.03417; 1000 Genomes Project 30x 0.03420; ESP Exome Variant Server 0.03614.
gnomAD v4.1: 8,817 of 1,614,052 alleles (0.55%); highest among the groups gnomAD compares: African/African-American, 10%; 370 homozygotes.

Submissions (5):

Labcorp Genetics (formerly Invitae), Labcorp
Classification: Benign. Last evaluated: 2026-01-25. Review status: criteria provided, single submitter. Criteria: Invitae Variant Classification Sherloc (09022015). Collection method: clinical testing. Allele origin: germline.

Illumina Laboratory Services, Illumina
Classification: Benign for Fleck corneal dystrophy. Last evaluated: 2018-01-12. Review status: criteria provided, single submitter. Criteria: ICSL Variant Classification Criteria 13 December 2019. Collection method: clinical testing. Allele origin: germline.
Comment: This variant was observed in the ICSL laboratory as part of a predisposition screen in an ostensibly healthy population. It had not been previously curated by ICSL or reported in the Human Gene Mutation Database (HGMD: prior to June 1st, 2018), and was therefore a candidate for classification through an automated scoring system. Utilizing variant allele frequency, disease prevalence and penetrance estimates, and inheritance mode, an automated score was calculated to assess if this variant is too frequent to cause the disease. Based on the score and internal cut-off values, a variant classified as benign is not then subjected to further curation. The score for this variant resulted in a classification of benign for this disease.

Breakthrough Genomics
Classification: Benign. Review status: criteria provided, single submitter. Criteria: ACMG Guidelines, 2015. Collection method: not provided. Allele origin: germline. Inheritance: Autosomal dominant inheritance. Affected: yes.

Dr. Peter K. Rogan Lab, Western University
No classification provided (evidence only). Condition: Uterine corpus endometrial carcinoma. Review status: no classification provided. Collection method: in vitro. Allele origin: not applicable. Functional consequence: retained intron. Not counted in ClinVar's aggregate classification.

Dr. Peter K. Rogan Lab, Western University
No classification provided (evidence only). Condition: Ovarian serous cystadenocarcinoma. Review status: no classification provided. Collection method: in vitro. Allele origin: not applicable. Functional consequence: retained intron. Not counted in ClinVar's aggregate classification.

NM_015040.4(PIKFYVE):c.4731A>G (p.Gln1577=)

Gene: PIKFYVE (phosphoinositide kinase, FYVE-type zinc finger containing; plus strand). Cytogenetic location: 2q34.
Variant type: single nucleotide variant.
Coding change: c.4731A>G on transcript NM_015040.4 (MANE Select); coding-DNA position 4731, A replaced by G.
Protein change: p.Gln1577=; no amino-acid change (glutamine 1577 retained).
Molecular consequence: synonymous variant.
Genome position (GRCh38, 1-based): chr2:208,339,476, A>G. VCF-style: chr2-208339476-A-G. GRCh37 (hg19) VCF-style: chr2-209204200-A-G.
Identifiers: ClinVar variation 333923 (VCV000333923.15), dbSNP rs35066043, ClinGen allele CA2080423.